The following is an entry in ClinVar:

ClinVar aggregate classification (germline): Uncertain significance (1 of 4 stars; one submission).

Conditions:
Hypophosphatasia. Also called: Phosphoethanol-aminuria. Identifiers: Orphanet 436, MedGen C0020630, MeSH D007014, MONDO:0018570.

Submission:

Genomenon, Inc
Classification: Uncertain significance for Hypophosphatasia. Last evaluated: 2026-09-01. Review status: criteria provided, single submitter. Criteria: Genomenon Sequence Variant Interpretation Standards - Updated. Collection method: curation. Allele origin: germline. Affected: no.
Comment: ALPL p.Asp435Gly (c.1304A>G) is a missense variant that changes the amino acid at codon 435 from Aspartic acid to Glycine. This variant has been reported in the published literature (PMID:39925621). It is absent or not present at a significant frequency in gnomAD. In silico models predict that this variant is possibly or probably damaging. In conclusion, we classify ALPL p.Asp435Gly (c.1304A>G) as a variant of uncertain significance.

Literature cited by the submitters: PubMed 39925621.

NM_000478.6(ALPL):c.1304A>G (p.Asp435Gly)

Gene: ALPL (alkaline phosphatase, biomineralization associated; plus strand). Cytogenetic location: 1p36.12.
Variant type: single nucleotide variant.
Coding change: c.1304A>G on transcript NM_000478.6 (MANE Select); coding-DNA position 1304, A replaced by G.
Protein change: p.Asp435Gly; replaces aspartic acid 435 with glycine.
Molecular consequence: missense variant.
Genome position (GRCh38, 1-based): chr1:21,576,636, A>G. VCF-style: chr1-21576636-A-G. GRCh37 (hg19) VCF-style: chr1-21903129-A-G.
Other names: c.1139A>G, p.Asp380Gly (NM_001127501.4); c.1073A>G, p.Asp358Gly (NM_001177520.3); c.1304A>G, p.Asp435Gly (NM_001369803.2, NM_001369804.2, NM_001369805.2); short protein forms D358G, D380G, D435G.
Identifiers: ClinVar variation 4974790 (VCV004974790.1).